The following is an entry in ClinVar:

NM_207122.2(EXT2):c.667C>T (p.Arg223Trp)

Gene: EXT2 (exostosin glycosyltransferase 2; plus strand). Cytogenetic location: 11p11.2.
Variant type: single nucleotide variant.
Coding change: c.667C>T on transcript NM_207122.2 (MANE Select); coding-DNA position 667, C replaced by T.
Protein change: p.Arg223Trp; replaces arginine 223 with tryptophan.
Molecular consequence: missense variant.
Genome position (GRCh38, 1-based): chr11:44,114,225, C>T. VCF-style: chr11-44114225-C-T. GRCh37 (hg19) VCF-style: chr11-44135775-C-T.
Other names: c.667C>T (NM_207122.1); c.766C>T, p.Arg256Trp (NM_000401.3); c.667C>T, p.Arg223Trp (NM_001178083.3, NM_001389628.1, NM_001389630.1); short protein forms R223W, R256W.
Identifiers: ClinVar variation 1441831 (VCV001441831.34), dbSNP rs201062014, ClinGen allele CA5954972.

ClinVar aggregate classification (germline): Uncertain significance. Review status: criteria provided, multiple submitters, no conflicts (2 of 4 stars). 6 submissions from 6 submitters: Uncertain significance (5). 1 of the submissions does not count toward it. Last evaluated 2024-11-19.

Conditions:
EXT2-related disorder. Also called: EXT2-related condition.
Exostoses, multiple, type 2 (EXT2). Also called: EXOSTOSES, MULTIPLE, TYPE II; Hereditary Multiple Osteochondromatosis, Type II. Identifiers: Orphanet 321, MedGen C1851413, MONDO:0007586, OMIM 133701.
Seizures-scoliosis-macrocephaly syndrome. Also called: Seizures, scoliosis, and macrocephaly syndrome; SEIZURES, SCOLIOSIS, AND MACROCEPHALY/MICROCEPHALY SYNDROME. Identifiers: Orphanet 466926, MedGen C4225248, MONDO:0014731, OMIM 616682.

Allele frequency attached by ClinVar (database versions not stated): gnomAD 0.00001 and 0.00002; gnomAD exomes 0.00001 and 0.00002; ExAC 0.00002; 1000 Genomes Project 30x 0.00016; 1000 Genomes Project 0.00020.
gnomAD v4.1: 24 of 1,614,098 alleles (0.0015%); highest among the groups gnomAD compares: Middle Eastern, 0.016%; no homozygotes.

Submissions (6):

Labcorp Genetics (formerly Invitae), Labcorp
Classification: Uncertain significance for Exostoses, multiple, type 2. Last evaluated: 2024-11-19. Review status: criteria provided, single submitter. Criteria: Invitae Variant Classification Sherloc (09022015). Collection method: clinical testing. Allele origin: germline.
Comment: This sequence change replaces arginine, which is basic and polar, with tryptophan, which is neutral and slightly polar, at codon 223 of the EXT2 protein (p.Arg223Trp). This variant is present in population databases (rs201062014, gnomAD 0.006%). This variant has not been reported in the literature in individuals affected with EXT2-related conditions. ClinVar contains an entry for this variant (Variation ID: 1441831). Invitae Evidence Modeling of protein sequence and biophysical properties (such as structural, functional, and spatial information, amino acid conservation, physicochemical variation, residue mobility, and thermodynamic stability) has been performed for this missense variant. However, the output from this modeling did not meet the statistical confidence thresholds required to predict the impact of this variant on EXT2 protein function. This variant disrupts the p.Arg223 amino acid residue in EXT2. Other variant(s) that disrupt this residue have been determined to be pathogenic (PMID: 12490068, 17589361, 18165274, 23262345). This suggests that this residue is clinically significant, and that variants that disrupt this residue are likely to be disease-causing. In summary, the available evidence is currently insufficient to determine the role of this variant in disease. Therefore, it has been classified as a Variant of Uncertain Significance.

Blueprint Genetics
Classification: Uncertain significance. Last evaluated: 2024-07-02. Review status: criteria provided, single submitter. Criteria: ACMG Guidelines, 2015. Collection method: clinical testing. Allele origin: germline.

Baylor Genetics
Classification: Uncertain significance for Exostoses, multiple, type 2. Last evaluated: 2024-03-03. Review status: criteria provided, single submitter. Criteria: ACMG Guidelines, 2015. Collection method: clinical testing. Allele origin: unknown.

CeGaT Center for Human Genetics Tuebingen
Classification: Uncertain significance. Last evaluated: 2022-06-01. Review status: criteria provided, single submitter. Criteria: CeGaT Center For Human Genetics Tuebingen Variant Classification Criteria Version 2. Collection method: clinical testing. Allele origin: germline. Affected: yes. Observed: 1 variant allele.
Comment: EXT2: PP3

Fulgent Genetics
Classification: Uncertain significance for Exostoses, multiple, type 2; Seizures-scoliosis-macrocephaly syndrome. Last evaluated: 2022-03-10. Review status: criteria provided, single submitter. Criteria: ACMG Guidelines, 2015. Collection method: clinical testing. Allele origin: unknown.

PreventionGenetics, part of Exact Sciences
Classification: Uncertain significance for EXT2-related condition. Last evaluated: 2023-12-18. Review status: no assertion criteria provided. Collection method: clinical testing. Allele origin: germline. Not counted in ClinVar's aggregate classification.
Comment: The EXT2 c.667C>T variant is predicted to result in the amino acid substitution p.Arg223Trp. To our knowledge, this variant has not been reported in the literature. Another variant affecting this amino acid (c.668G>C; p.Arg223Pro) has been reported in an individual with multiple exostoses (Shi et al 2000. PubMed ID: 10738008). This variant has an interpretation of uncertain in ClinVar. This variant is reported in 0.0054% of alleles in individuals of East Asian descent in gnomAD. At this time, the clinical significance of this variant is uncertain due to the absence of conclusive functional and genetic evidence.

Literature cited by the submitters: PubMed 12490068 (cited by Labcorp Genetics (formerly Invitae), Labcorp); PubMed 17589361 (cited by Labcorp Genetics (formerly Invitae), Labcorp); PubMed 18165274 (cited by Labcorp Genetics (formerly Invitae), Labcorp); PubMed 23262345 (cited by Labcorp Genetics (formerly Invitae), Labcorp).